The following is an entry in ClinVar:

NM_016366.3(CABP2):c.379+11C>T

Gene: CABP2 (calcium binding protein 2; minus strand). Cytogenetic location: 11q13.2.
Variant type: single nucleotide variant.
Coding change: c.379+11C>T on transcript NM_016366.3 (MANE Select); 11 bases into the intron after coding-DNA position 379, C replaced by T.
Molecular consequence: intron variant.
Genome position (GRCh38, 1-based): chr11:67,521,014, G>A on the plus strand (C>T on the coding strand, the complement: CABP2 is on the minus strand). VCF-style: chr11-67521014-G-A. GRCh37 (hg19) VCF-style: chr11-67288485-G-A.
Other names: c.397+11C>T (NM_001318496.2).
Identifiers: ClinVar variation 517568 (VCV000517568.8), dbSNP rs147530804, ClinGen allele CA6142484.

ClinVar aggregate classification (germline): Likely benign. Review status: criteria provided, multiple submitters, no conflicts (2 of 4 stars). 3 submissions from 3 submitters: Likely benign (3). Last evaluated 2025-09-02.

Allele frequency attached by ClinVar (database versions not stated): gnomAD exomes 0.00006 and 0.00010; ExAC 0.00012; ESP Exome Variant Server 0.00038; 1000 Genomes Project 0.00040; 1000 Genomes Project 30x 0.00047; gnomAD 0.00052 and 0.00054; TOPMed 0.00052.
gnomAD v4.1: 163 of 1,612,310 alleles (0.01%); highest among the groups gnomAD compares: African/African-American, 0.2%; 1 homozygote.

Submissions (3):

Labcorp Genetics (formerly Invitae), Labcorp
Classification: Likely benign. Last evaluated: 2025-09-02. Review status: criteria provided, single submitter. Criteria: Invitae Variant Classification Sherloc (09022015). Collection method: clinical testing. Allele origin: germline.

Blueprint Genetics
Classification: Likely benign. Last evaluated: 2024-03-02. Review status: criteria provided, single submitter. Criteria: ACMG Guidelines, 2015. Collection method: clinical testing. Allele origin: germline.

Laboratory for Molecular Medicine, Mass General Brigham Personalized Medicine
Classification: Likely benign. Last evaluated: 2017-08-23. Review status: criteria provided, single submitter. Criteria: LMM Criteria. Collection method: clinical testing. Allele origin: germline. Observed: 1 variant allele.
Comment: c.379+11C>T in intron 4 of CABP2: This variant is not expected to have clinical significance because it does not alter an amino acid residue and is not located within the splice consensus sequence. It has been identified in 0.13% (14/10404) of African chromosomes by the Exome Aggregation Consortium (ExAC; dbSNP rs147530804).